The following is an entry in ClinVar:

ClinVar aggregate classification (germline): Uncertain significance (1 of 4 stars; one submission).

Conditions:
Fanconi anemia complementation group Q. Identifiers: Orphanet 84, MedGen C3808988, MONDO:0014108, OMIM 615272.
Xeroderma pigmentosum, group F (XPF). Also called: XERODERMA PIGMENTOSUM, COMPLEMENTATION GROUP F; ERCC4-Related Xeroderma Pigmentosum; XERODERMA PIGMENTOSUM VI; XP, GROUP F; XERODERMA PIGMENTOSUM, TYPE F; Xeroderma pigmentosum, type 6. Identifiers: MedGen C0268140, MONDO:0010215, OMIM 278760.
Cockayne syndrome. Identifiers: Orphanet 191, MedGen C0009207, MONDO:0016006.

Submission:

Labcorp Genetics (formerly Invitae), Labcorp
Classification: Uncertain significance for Fanconi anemia complementation group Q; Xeroderma pigmentosum, group F; Cockayne syndrome. Last evaluated: 2019-06-18. Review status: criteria provided, single submitter. Criteria: Invitae Variant Classification Sherloc (09022015). Collection method: clinical testing. Allele origin: germline.
Comment: In summary, the available evidence is currently insufficient to determine the role of this variant in disease. Therefore, it has been classified as a Variant of Uncertain Significance. Algorithms developed to predict the effect of sequence changes on RNA splicing suggest that this variant may create or strengthen a splice site, but this prediction has not been confirmed by published transcriptional studies. Algorithms developed to predict the effect of missense changes on protein structure and function are either unavailable or do not agree on the potential impact of this missense change (SIFT: "Deleterious"; PolyPhen-2: "Possibly Damaging"; Align-GVGD: "Class C0"). This variant has not been reported in the literature in individuals with ERCC4-related conditions. This variant is not present in population databases (ExAC no frequency). This sequence change replaces asparagine with tyrosine at codon 859 of the ERCC4 protein (p.Asn859Tyr). The asparagine residue is moderately conserved and there is a large physicochemical difference between asparagine and tyrosine.

NM_005236.3(ERCC4):c.2575A>T (p.Asn859Tyr)

Gene: ERCC4 (ERCC excision repair 4, endonuclease catalytic subunit; plus strand). Cytogenetic location: 16p13.12.
Variant type: single nucleotide variant.
Coding change: c.2575A>T on transcript NM_005236.3 (MANE Select); coding-DNA position 2575, A replaced by T.
Protein change: p.Asn859Tyr; replaces asparagine 859 with tyrosine.
Molecular consequence: missense variant.
Genome position (GRCh38, 1-based): chr16:13,948,171, A>T. VCF-style: chr16-13948171-A-T. GRCh37 (hg19) VCF-style: chr16-14042028-A-T.
Other names: short protein forms N859Y.
Identifiers: ClinVar variation 945531 (VCV000945531.9), dbSNP rs2032559742, ClinGen allele CA394824489.
Genomic context (GRCh38, chr16:13,948,171, plus strand): 5'-CCCGAGTCAGAGAAGTATAATCCTGGTCCCCAAGACTTCTTGTTAAAAATGCCAGGGGTG[A>T]ATGCCAAAAACTGCCGCTCCTTGATGCACCACGTTAAGAACATCGCAGAATTAGCAGCCC-3'
Protein context (NP_005227.1, residues 849-869): QDFLLKMPGV[Asn859Tyr]AKNCRSLMHH